The following is an entry in ClinVar:

ClinVar aggregate classification (germline): Conflicting classifications of pathogenicity. Review status: criteria provided, conflicting classifications (1 of 4 stars). 3 submissions from 3 submitters: Pathogenic (1); Likely pathogenic (1); Uncertain significance (1). Last evaluated 2026-08-02.

Conditions:
Neurofibromatosis, type 1 (NF1). Also called: NEUROFIBROMATOSIS, TYPE I, SOMATIC; VON RECKLINGHAUSEN DISEASE; Peripheral type neurofibromatosis; Neurofibromatosis, type I. Identifiers: Orphanet 636, MedGen C0027831, MONDO:0018975, OMIM 162200. Disease mechanism: loss of function.
Hereditary cancer-predisposing syndrome. Also called: Hereditary neoplastic syndrome; Neoplastic Syndromes, Hereditary; Hereditary Cancer Syndrome; Tumor predisposition. Identifiers: Orphanet 140162, MedGen C0027672, MeSH D009386, MONDO:0015356.
Cardiovascular phenotype. Identifiers: MedGen CN230736.

Submissions (3):

GeneDx
Classification: Likely pathogenic. Last evaluated: 2026-08-02. Review status: criteria provided, single submitter. Criteria: GeneDx Variant Classification Process June 2021. Collection method: clinical testing. Allele origin: germline.
Comment: Has not been previously published as pathogenic or benign to our knowledge; Not observed at significant frequency in large population cohorts (gnomAD); In silico analysis supports a deleterious effect on splicing; Also known as IVS9+3A>C; This variant is associated with the following publications: (PMID: 21520333)

Ambry Genetics
Classification: Uncertain significance for Cardiovascular phenotype; Hereditary cancer-predisposing syndrome. Last evaluated: 2025-06-09. Review status: criteria provided, single submitter. Criteria: Ambry Variant Classification Scheme 2023. Collection method: clinical testing. Allele origin: germline.
Comment: The c.1260+3A>C intronic variant results from an A to C substitution 3 nucleotides after coding exon 11 in the NF1 gene. This nucleotide position is highly conserved in available vertebrate species. In silico splice site analysis predicts that this alteration will weaken the native splice donor site. Based on the available evidence, the clinical significance of this variant remains unclear.

Labcorp Genetics (formerly Invitae), Labcorp
Classification: Pathogenic for Neurofibromatosis, type 1. Last evaluated: 2023-05-10. Review status: criteria provided, single submitter. Criteria: Invitae Variant Classification Sherloc (09022015). Collection method: clinical testing. Allele origin: germline.
Comment: For these reasons, this variant has been classified as Pathogenic. Variants that disrupt the consensus splice site are a relatively common cause of aberrant splicing (PMID: 17576681, 9536098). Studies have shown that this variant results in activation of a cryptic splice site and introduces a premature termination codon (Invitae). The resulting mRNA is expected to undergo nonsense-mediated decay. ClinVar contains an entry for this variant (Variation ID: 938646). This variant has been observed in individual(s) with neurofibromatosis type 1 (Invitae). This variant is not present in population databases (gnomAD no frequency). This sequence change falls in intron 11 of the NF1 gene. It does not directly change the encoded amino acid sequence of the NF1 protein. RNA analysis indicates that this variant induces altered splicing and may result in an absent or disrupted protein product.

Literature cited by the submitters: PubMed 17576681 (cited by Labcorp Genetics (formerly Invitae), Labcorp); PubMed 9536098 (cited by Labcorp Genetics (formerly Invitae), Labcorp).

NM_001042492.3(NF1):c.1260+3A>C

Gene: NF1 (neurofibromin 1; plus strand). Cytogenetic location: 17q11.2.
Variant type: single nucleotide variant.
Coding change: c.1260+3A>C on transcript NM_001042492.3 (MANE Select); 3 bases into the intron after coding-DNA position 1260, A replaced by C.
Molecular consequence: intron variant.
Genome position (GRCh38, 1-based): chr17:31,201,488, A>C. VCF-style: chr17-31201488-A-C. GRCh37 (hg19) VCF-style: chr17-29528506-A-C.
Other names: c.1260+3A>C (NM_000267.4, NM_001128147.3).
Identifiers: ClinVar variation 938646 (VCV000938646.8), dbSNP rs2066529461, ClinGen allele CA1139665319.